The following is an entry in ClinVar:

ClinVar aggregate classification (germline): Pathogenic (1 of 4 stars; one submission).

Conditions:
Intellectual developmental disorder, autosomal dominant 50, with behavioral abnormalities. Also called: MENTAL RETARDATION, AUTOSOMAL DOMINANT 50; Intellectual disability, autosomal dominant 50. Identifiers: MedGen C4540470, MONDO:0030916, OMIM 617787.

Submission:

Institute for Genomic Statistics and Bioinformatics, University Hospital Bonn
Classification: Pathogenic for Intellectual developmental disorder, autosomal dominant 50, with behavioral abnormalities. Review status: criteria provided, single submitter. Criteria: ACMG Guidelines, 2015. Collection method: clinical testing. Allele origin: de novo. Inheritance: Autosomal dominant inheritance. Affected: yes. Observed: 1 heterozygote.
Comment: Evaluation of c.1446dupG in NAA15: The heterozygous insertion G in position 140281688 on chromosome 4 was treated with 215 reads covered with an alternative bypass frequency (AAV) of 37.6%. The variant leads to the exchange of the amino acid methionine at position 482 to serine and to a Reading grid shifting with a subsequent Stop codon after 15 amino acids in NAA15. Bioinformatic prediction programs like mutation buttons and GERP classifies this variant as pathogenic. This variant is classified according to ACMG guidelines also classified as pathogenic. Classification according to ACMG guidelines from c.1446dupG to NAA15: pathogenic - PVS1: This variant leads to a loss of function after a shift of the reading frame and Introduction of a premature stop codon. - PS2: New mutation (another independent validation is pending). - PM2: The variant was not identified in population genetic studies (such as GnomAD, Iranome, GME, 1kGP, etc.) observed. - PP3: Bioinformatic prediction programs such as GERP and MutationTaster grade this variant as pathogenic. The gene NAA15 (MIM*608000) encodes a component of the NatA N-acetyltransferase complex, which binds the complex for posttranslational modification of proteins to the ribosome (Summary by Stessman et al., 2017).2 Mutations in NAA15 are common in patients with the autosomal dominant inherited form of mental retardation 50 associated (MIM#617787). Ten of eleven patients with mutations in NAA15 had a developmental delay or mental retardation, which varied from mild to severe, five out of six had a delayed language development. Truncating mutations were identified in many patients. A validation of variant c.1446dupG in NAA15 from new DNA samples of the patient and both Parents should be sequenced using Sanger sequencing to confirm them as new mutations and to avoid confusion.

NM_057175.5(NAA15):c.1446dup (p.Gln483fs)

Gene: NAA15 (N-alpha-acetyltransferase 15, NatA auxiliary subunit; plus strand). Cytogenetic location: 4q31.1.
Variant type: Duplication.
Coding change: c.1446dup on transcript NM_057175.5 (MANE Select); coding-DNA position 1446, one base duplicated (G; older notation c.1446dupG).
Protein change: p.Gln483fs; shifts the reading frame from glutamine 483.
Molecular consequence: frameshift variant.
Genome position (GRCh38, 1-based): chr4:139,360,535, G duplicated. VCF-style (leftmost placement, unchanged base first): chr4-139360534-T-TG. GRCh37 (hg19) VCF-style: chr4-140281688-T-TG.
Other names: c.1446dupG (NM_057175.5); short protein forms Q483fs.
Identifiers: ClinVar variation 983533 (VCV000983533.2), dbSNP rs1748100957, ClinGen allele CA1139658655.